The following is an entry in ClinVar:

ClinVar aggregate classification (germline): Uncertain significance (1 of 4 stars; one submission).

Conditions:
Epilepsy, childhood absence, susceptibility to, 5. Identifiers: Orphanet 64280, MedGen C2677087, MONDO:0012843, OMIM 612269.
Epilepsy, childhood absence, susceptibility to, 1. Also called: Epilepsy, childhood absence 1. Identifiers: Orphanet 64280, MedGen C1838604, MONDO:0020759, OMIM 600131.

Allele frequency attached by ClinVar (database versions not stated): gnomAD exomes below 0.00001 and 0.00002; gnomAD 0.00001; ExAC 0.00003.
gnomAD v4.1: 7 of 1,614,008 alleles (0.00043%); highest among the groups gnomAD compares: South Asian, 0.0022%; no homozygotes.

Submission:

Labcorp Genetics (formerly Invitae), Labcorp
Classification: Uncertain significance for Epilepsy, childhood absence, susceptibility to, 5; Epilepsy, childhood absence, susceptibility to, 1. Last evaluated: 2024-08-13. Review status: criteria provided, single submitter. Criteria: Invitae Variant Classification Sherloc (09022015). Collection method: clinical testing. Allele origin: germline.
Comment: This sequence change replaces arginine, which is basic and polar, with glutamine, which is neutral and polar, at codon 409 of the GABRB3 protein (p.Arg409Gln). This variant is present in population databases (rs766795597, gnomAD 0.003%). This variant has not been reported in the literature in individuals affected with GABRB3-related conditions. ClinVar contains an entry for this variant (Variation ID: 1019153). Advanced modeling of protein sequence and biophysical properties (such as structural, functional, and spatial information, amino acid conservation, physicochemical variation, residue mobility, and thermodynamic stability) performed at Invitae indicates that this missense variant is not expected to disrupt GABRB3 protein function with a negative predictive value of 95%. In summary, the available evidence is currently insufficient to determine the role of this variant in disease. Therefore, it has been classified as a Variant of Uncertain Significance.

NM_000814.6(GABRB3):c.1226G>A (p.Arg409Gln)

Gene: GABRB3 (gamma-aminobutyric acid type A receptor subunit beta3; minus strand). Cytogenetic location: 15q12.
Variant type: single nucleotide variant.
Coding change: c.1226G>A on transcript NM_000814.6 (MANE Select); coding-DNA position 1226, G replaced by A.
Protein change: p.Arg409Gln; replaces arginine 409 with glutamine.
Molecular consequence: missense variant.
Genome position (GRCh38, 1-based): chr15:26,547,989, C>T on the plus strand (G>A on the coding strand, the complement: GABRB3 is on the minus strand). VCF-style: chr15-26547989-C-T. GRCh37 (hg19) VCF-style: chr15-26793136-C-T.
Other names: c.971G>A, p.Arg324Gln (NM_001191320.2, NM_001278631.2); c.1013G>A, p.Arg338Gln (NM_001191321.3); c.1226G>A, p.Arg409Gln (NM_021912.5); short protein forms R324Q, R338Q, R409Q.
Identifiers: ClinVar variation 1019153 (VCV001019153.9), dbSNP rs766795597, ClinGen allele CA7437283.